The following is an entry in ClinVar:

ClinVar aggregate classification (germline): Uncertain significance (1 of 4 stars; one submission).

Submission:

GeneDx
Classification: Uncertain significance. Last evaluated: 2026-07-11. Review status: criteria provided, single submitter. Criteria: GeneDx Variant Classification Process June 2021. Collection method: clinical testing. Allele origin: germline.
Comment: Has not been previously published as pathogenic or benign to our knowledge; In silico analysis supports that this missense variant has a deleterious effect on protein structure/function; Not observed at significant frequency in large population cohorts (gnomAD)

NM_006236.3(POU3F3):c.942G>T (p.Glu314Asp)

Gene: POU3F3 (POU class 3 homeobox 3; plus strand). Cytogenetic location: 2q12.1.
Variant type: single nucleotide variant.
Coding change: c.942G>T on transcript NM_006236.3 (MANE Select); coding-DNA position 942, G replaced by T.
Protein change: p.Glu314Asp; replaces glutamic acid 314 with aspartic acid.
Molecular consequence: missense variant.
Genome position (GRCh38, 1-based): chr2:104,856,452, G>T. VCF-style: chr2-104856452-G-T. GRCh37 (hg19) VCF-style: chr2-105472910-G-T.
Other names: c.942G>T, p.Glu314Asp (NM_001433704.1); short protein forms E314D.
Identifiers: ClinVar variation 4539988 (VCV004539988.2).